The following is an entry in ClinVar:

ClinVar aggregate classification (germline): Uncertain significance (1 of 4 stars; one submission).

Allele frequency attached by ClinVar (database versions not stated): gnomAD 0.00001; gnomAD exomes 0.00001; TOPMed 0.00001.
gnomAD v4.1: 16 of 1,613,484 alleles (0.00099%); highest among the groups gnomAD compares: Non-Finnish European, 0.0012%; no homozygotes.

Submission:

Labcorp Genetics (formerly Invitae), Labcorp
Classification: Uncertain significance. Last evaluated: 2024-02-23. Review status: criteria provided, single submitter. Criteria: Invitae Variant Classification Sherloc (09022015). Collection method: clinical testing. Allele origin: germline.
Comment: This sequence change replaces alanine, which is neutral and non-polar, with valine, which is neutral and non-polar, at codon 3965 of the DNAH9 protein (p.Ala3965Val). This variant is not present in population databases (gnomAD no frequency). This variant has not been reported in the literature in individuals affected with DNAH9-related conditions. Advanced modeling of protein sequence and biophysical properties (such as structural, functional, and spatial information, amino acid conservation, physicochemical variation, residue mobility, and thermodynamic stability) performed at Invitae indicates that this missense variant is not expected to disrupt DNAH9 protein function with a negative predictive value of 80%. In summary, the available evidence is currently insufficient to determine the role of this variant in disease. Therefore, it has been classified as a Variant of Uncertain Significance.

NM_001372.4(DNAH9):c.11894C>T (p.Ala3965Val)

Gene: DNAH9 (dynein axonemal heavy chain 9; plus strand). Cytogenetic location: 17p12.
Variant type: single nucleotide variant.
Coding change: c.11894C>T on transcript NM_001372.4 (MANE Select); coding-DNA position 11894, C replaced by T.
Protein change: p.Ala3965Val; replaces alanine 3965 with valine.
Molecular consequence: missense variant.
Genome position (GRCh38, 1-based): chr17:11,929,882, C>T. VCF-style: chr17-11929882-C-T. GRCh37 (hg19) VCF-style: chr17-11833199-C-T.
Other names: c.830C>T, p.Ala277Val (NM_004662.2); short protein forms A3965V, A277V.
Identifiers: ClinVar variation 2802134 (VCV002802134.3), dbSNP rs1162168243, ClinGen allele CA398210528.